The following is an entry in ClinVar:

NM_147127.5(EVC2):c.2245G>A (p.Asp749Asn)

Gene: EVC2 (EvC ciliary complex subunit 2; minus strand). Cytogenetic location: 4p16.2.
Variant type: single nucleotide variant.
Coding change: c.2245G>A on transcript NM_147127.5 (MANE Select); coding-DNA position 2245, G replaced by A.
Protein change: p.Asp749Asn; replaces aspartic acid 749 with asparagine.
Molecular consequence: missense variant.
Genome position (GRCh38, 1-based): chr4:5,622,793, C>T on the plus strand (G>A on the coding strand, the complement: EVC2 is on the minus strand). VCF-style: chr4-5622793-C-T. GRCh37 (hg19) VCF-style: chr4-5624520-C-T.
Other names: c.2005G>A, p.Asp669Asn (NM_001166136.2); short protein forms D669N, D749N.
Identifiers: ClinVar variation 3090814 (VCV003090814.2), dbSNP rs1300233955, ClinGen allele CA356144920.
Genomic context (GRCh38, chr4:5,622,793, plus strand): 5'-GCACCCCACGCTTGAGCAGCTCCTGGGTCATGGCTGAGTTCTGCAGGCGCCGCAGCTCGT[C>T]GGTGGCCTTTTCAAACAGCGAAAGGGTCAGGGTCCTGAGATCGTCCAGGGCGGCCTGGTC-3'
Protein context (NP_667338.3, residues 739-759): LTLSLFEKAT[Asp749Asn]ELRRLQNSAM

ClinVar aggregate classification (germline): Uncertain significance (1 of 4 stars; one submission).

Conditions:
Inborn genetic diseases. Identifiers: MedGen C0950123, MeSH D030342.

Allele frequency attached by ClinVar (database versions not stated): gnomAD exomes below 0.00001; TOPMed below 0.00001.
gnomAD v4.1: 4 of 1,614,084 alleles (0.00025%); highest among the groups gnomAD compares: Admixed American, 0.0033%; no homozygotes.

Submission:

Ambry Genetics
Classification: Uncertain significance for Inborn genetic diseases. Last evaluated: 2026-08-18. Review status: criteria provided, single submitter. Criteria: Ambry Variant Classification Scheme 2023. Collection method: clinical testing. Allele origin: germline.
Comment: The c.2245G>A (p.D749N) alteration is located in exon 14 (coding exon 14) of the EVC2 gene. This alteration results from a G to A substitution at nucleotide position 2245, causing the aspartic acid (D) at amino acid position 749 to be replaced by an asparagine (N). Based on data from gnomAD, the A allele has an overall frequency of <0.001% (1/251274) total alleles studied. The highest observed frequency was 0.003% (1/34590) of Latino alleles. Based on insufficient or conflicting evidence, the clinical significance of this alteration remains unclear.